The following is an entry in ClinVar:

NM_005879.3(TRAIP):c.654_655del (p.Glu220fs)

Gene: TRAIP (TRAF interacting protein; minus strand). Cytogenetic location: 3p21.31.
Variant type: Deletion.
Coding change: c.654_655del on transcript NM_005879.3 (MANE Select); coding-DNA positions 654 to 655, 2 bases deleted (AG; older notation c.654_655delAG).
Protein change: p.Glu220fs; shifts the reading frame from glutamic acid 220.
Molecular consequence: frameshift variant.
Genome position (GRCh38, 1-based): chr3:49,841,035-49,841,036, CT deleted on the plus strand (AG on the coding strand, the reverse complement: TRAIP is on the minus strand). VCF-style (leftmost placement, unchanged base first): chr3-49841034-CCT-C. GRCh37 (hg19) VCF-style: chr3-49878467-CCT-C.
Other names: short protein forms E220fs.
Identifiers: ClinVar variation 3698997 (VCV003698997.2).

ClinVar aggregate classification (germline): Pathogenic (1 of 4 stars; one submission).

Submission:

Labcorp Genetics (formerly Invitae), Labcorp
Classification: Pathogenic. Last evaluated: 2024-11-19. Review status: criteria provided, single submitter. Criteria: Invitae Variant Classification Sherloc (09022015). Collection method: clinical testing. Allele origin: germline.
Comment: This sequence change creates a premature translational stop signal (p.Glu220Glyfs*3) in the TRAIP gene. It is expected to result in an absent or disrupted protein product. Loss-of-function variants in TRAIP are known to be pathogenic (PMID: 26595769, 31974414). This variant is present in population databases (rs781322067, gnomAD 0.003%). This variant has not been reported in the literature in individuals affected with TRAIP-related conditions. For these reasons, this variant has been classified as Pathogenic.

Literature cited by the submitters: PubMed 26595769; PubMed 31974414.